The following is an entry in ClinVar:

ClinVar aggregate classification (germline): Pathogenic (1 of 4 stars; one submission).

Conditions:
Glycogen storage disease, type V (GSD5). Also called: MCARDLE DISEASE; MUSCLE GLYCOGEN PHOSPHORYLASE DEFICIENCY; MYOPHOSPHORYLASE DEFICIENCY; PYGM DEFICIENCY; McArdle type glycogen storage disease. Identifiers: Orphanet 368, MedGen C0017924, MONDO:0009293, OMIM 232600.

Submission:

Myriad Genetics, Inc.
Classification: Pathogenic for Glycogen storage disease, type V. Last evaluated: 2023-09-27. Review status: criteria provided, single submitter. Criteria: Myriad Autosomal Dominant, Autosomal Recessive and X-Linked Classification Criteria (2023). Collection method: clinical testing. Allele origin: unknown.
Comment: NM_005609.2(PYGM):c.2029dupA(T677Nfs*45) is expected to be pathogenic in the context of glycogen storage disease, PYGM-related. This variant is predicted to lead to an abnormal or absent protein product due to the creation of a premature termination codon in PYGM, a gene where loss-of-function variants are known to be pathogenic. Please note: this variant was assessed in the context of healthy population screening.

NM_005609.4(PYGM):c.2029dup (p.Thr677fs)

Gene: PYGM (glycogen phosphorylase, muscle associated; minus strand). Cytogenetic location: 11q13.1.
Variant type: Duplication.
Coding change: c.2029dup on transcript NM_005609.4 (MANE Select); coding-DNA position 2029, one base duplicated (A; older notation c.2029dupA).
Protein change: p.Thr677fs; shifts the reading frame from threonine 677.
Molecular consequence: frameshift variant.
Genome position (GRCh38, 1-based): chr11:64,750,524, T duplicated on the plus strand (A on the coding strand, the reverse complement: PYGM is on the minus strand). VCF-style (leftmost placement, unchanged base first): chr11-64750523-G-GT. GRCh37 (hg19) VCF-style: chr11-64517995-G-GT.
Other names: c.1765dup, p.Thr589fs (NM_001164716.1); short protein forms T589fs, T677fs.
Identifiers: ClinVar variation 5012232 (VCV005012232.1).